The following is an entry in ClinVar:

ClinVar aggregate classification (germline): Pathogenic. Review status: reviewed by expert panel (3 of 4 stars). 9 submissions from 8 submitters: Pathogenic (1). 8 of the submissions do not count toward it. Last evaluated 2025-03-27.

Conditions:
RPE65-related disorder. Also called: RPE65-related disorders; RPE65-related condition. Identifiers: MedGen CN239301.
Retinal dystrophy. Also called: Inherited retinal dystrophy. Identifiers: Orphanet 71862, MedGen C0854723, MeSH D058499, MONDO:0019118, HP:0000556.
RPE65-related recessive retinopathy. Also called: Recessive RPE65 retinopathy. Identifiers: MedGen CN305526, MONDO:0100368.
Leber congenital amaurosis 2 (LCA2). Also called: AMAUROSIS CONGENITA OF LEBER II; Autosomal Recessive RPE65-Related Retinal Degeneration. Identifiers: Orphanet 65, MedGen C1859844, MONDO:0008765, OMIM 204100. Disease mechanism: loss of function.
Retinitis pigmentosa 20 (RP20). Identifiers: Orphanet 791, MedGen C3151086, MONDO:0013425, OMIM 613794.
Congenital blindness. Identifiers: MedGen C0005754, HP:0007875.
Retinal degeneration. Identifiers: MedGen C0035304, MeSH D012162, MONDO:0004580, HP:0000546.
Abnormal electroretinogram. Identifiers: MedGen C0476397, HP:0000512.
Abnormality of vision. Identifiers: MedGen C4025846, HP:0000504.
Retinitis pigmentosa 87 with choroidal involvement. Identifiers: MedGen C5231465, MONDO:0032873, OMIM 618697.

gnomAD v4.1: 1 of 1,613,550 alleles (0.000062%); highest among the groups gnomAD compares: Non-Finnish European, 0.000085%; no homozygotes.

Submissions (9):

ClinGen Leber Congenital Amaurosis/early Onset Retinal Dystrophy Variant Curation Expert Panel, ClinGen
Classification: Pathogenic for RPE65-related recessive retinopathy. Last evaluated: 2025-03-27. Review status: reviewed by expert panel. Criteria: ClinGen LCAeoRD ACMG Specifications RPE65 V1.0.0. Collection method: curation. Allele origin: germline. Inheritance: Autosomal recessive inheritance.
Comment: The NM_000329.3(RPE65):c.1338+1G>A variant disrupts a canonical splice site in intron 12 and is predicted to lead to skipping of a critical exon, resulting in a frameshift, and likely nonsense-mediated decay in a gene in which loss-of-function is an established mechanism of disease (PVS1). This variant has been reported in 1 proband with early-onset severe retinal dystrophy who was compound heterozygous with the NM_000329.3(RPE65):c.1207_1210dup (p.Glu404AlafsTer4) variant confirmed in trans (0.5 points, PMID 32367544), which was previously classified pathogenic by the ClinGen LCA / eoRD VCEP (0.5 total points, PM3_Supporting).The variant has been reported to segregate with childhood-onset severe retinal dystrophy through the proband plus 1 similarly affected relative, with the variant present in the compound heterozygous state (PP1; PMID: 32367544). At least one proband harboring this variant was tested by exome sequencing (2.0) and exhibits a phenotype including optic disc pallor (0.5), pigmentary retinopathy with attenuated vessels (0.5), poor pupillary light response (0.5), RPE mottling (0.5), macular atrophy (0.5), and decreased peripheral (1.0) and central vision (1.0) which together are specific for RPE65-related recessive retinopathy (6.5 points, PMID: 32367544, PP4). This variant is present in gnomAD v.4.1.0 at an allele frequency of 8.478e-7 with 1/1179592 total alleles in the European (non-Finnish) population, which is lower than the ClinGen LCA / eoRD VCEP PM2_Supporting threshold of <0.0002. In summary, this variant meets the criteria to be classified as pathogenic for RPE65-related recessive retinopathy based on the ACMG/AMP criteria applied, as specified by the ClinGen LCA / eoRD VCEP: PVS1, PM2_Supporting, PP1, PP4, PM3_supporting. (VCEP specifications version 1.0.0; date of approval 09/21/2023).

Myriad Genetics, Inc.
Classification: Likely pathogenic for RPE65-related recessive retinopathy. Last evaluated: 2025-12-29. Review status: criteria provided, single submitter. Criteria: Myriad Autosomal Dominant, Autosomal Recessive and X-Linked Classification Criteria (2023). Collection method: clinical testing. Allele origin: unknown. Not counted in ClinVar's aggregate classification.
Comment: NM_000329.2(RPE65):c.1338+1G>A is undefined variant classified as likely pathogenic in the context of inherited retinal dystrophy, RPE65-related. c.1338+1G>A has not been observed in cases with relevant disease. Relevant functional assessments of this variant are not available in the literature. c.1338+1G>A has not been observed in referenced population frequency databases. In summary, NM_000329.2(RPE65):c.1338+1G>A is undefined variant in a gene where loss of function is a known mechanism of disease and is predicted to disrupt protein function. Please note: this variant was assessed in the context of healthy population screening.

Blueprint Genetics
Classification: Pathogenic for RPE65-related disorders. Last evaluated: 2024-10-03. Review status: criteria provided, single submitter. Criteria: ACMG Guidelines, 2015. Collection method: clinical testing. Allele origin: germline. Affected: yes. Observed: 5 variant alleles. Not counted in ClinVar's aggregate classification.

Fulgent Genetics
Classification: Likely pathogenic for Leber congenital amaurosis 2; Retinitis pigmentosa 20; Retinitis pigmentosa 87 with choroidal involvement. Last evaluated: 2024-06-06. Review status: criteria provided, single submitter. Criteria: ACMG Guidelines, 2015. Collection method: clinical testing. Allele origin: germline. Not counted in ClinVar's aggregate classification.

Baylor Genetics
Classification: Pathogenic for Leber congenital amaurosis 2. Last evaluated: 2024-01-05. Review status: criteria provided, single submitter. Criteria: ACMG Guidelines, 2015. Collection method: clinical testing. Allele origin: unknown. Not counted in ClinVar's aggregate classification.

Labcorp Genetics (formerly Invitae), Labcorp
Classification: Pathogenic for Leber congenital amaurosis 2; Retinitis pigmentosa 20. Last evaluated: 2022-10-02. Review status: criteria provided, single submitter. Criteria: Invitae Variant Classification Sherloc (09022015). Collection method: clinical testing. Allele origin: germline. Not counted in ClinVar's aggregate classification.
Comment: This sequence change affects a donor splice site in intron 12 of the RPE65 gene. It is expected to disrupt RNA splicing. Variants that disrupt the donor or acceptor splice site typically lead to a loss of protein function (PMID: 16199547), and loss-of-function variants in RPE65 are known to be pathogenic (PMID: 9326941, 9501220, 9843205, 18632300). This variant is not present in population databases (gnomAD no frequency). Disruption of this splice site has been observed in individual(s) with retinitis pigmentosa (PMID: 32367544). In at least one individual the data is consistent with being in trans (on the opposite chromosome) from a pathogenic variant. It has also been observed to segregate with disease in related individuals. ClinVar contains an entry for this variant (Variation ID: 374139). Algorithms developed to predict the effect of sequence changes on RNA splicing suggest that this variant may disrupt the consensus splice site. For these reasons, this variant has been classified as Pathogenic.

Institute of Human Genetics, Univ. Regensburg, Univ. Regensburg
Classification: Pathogenic for Retinal dystrophy. Last evaluated: 2019-01-01. Review status: criteria provided, single submitter. Criteria: ACMG Guidelines, 2015. Collection method: clinical testing. Allele origin: germline. Affected: yes. Not counted in ClinVar's aggregate classification.

Centre for Mendelian Genomics, University Medical Centre Ljubljana
Classification: Pathogenic for Retinitis pigmentosa 20. Last evaluated: 2016-01-01. Review status: criteria provided, single submitter. Criteria: ACMG Guidelines, 2015. Collection method: clinical testing. Allele origin: unknown. Affected: yes. Not counted in ClinVar's aggregate classification.
Comment: This variant was classified as: Pathogenic. This variant was detected in homozygous state.

Centre for Mendelian Genomics, University Medical Centre Ljubljana
Classification: Pathogenic for Abnormal electroretinogram; Abnormality of vision; Congenital blindness; Retinal degeneration. Last evaluated: 2014-11-14. Review status: criteria provided, single submitter. Criteria: ACMG Guidelines, 2015. Collection method: clinical testing. Allele origin: unknown. Affected: yes. Not counted in ClinVar's aggregate classification.

Literature cited by the submitters: PubMed 16199547 (cited by Labcorp Genetics (formerly Invitae), Labcorp); PubMed 9326941 (cited by Labcorp Genetics (formerly Invitae), Labcorp); PubMed 9501220 (cited by Labcorp Genetics (formerly Invitae), Labcorp); PubMed 9843205 (cited by Labcorp Genetics (formerly Invitae), Labcorp); PubMed 18632300 (cited by Labcorp Genetics (formerly Invitae), Labcorp); PubMed 32367544 (cited by Labcorp Genetics (formerly Invitae), Labcorp and Institute of Human Genetics, Univ. Regensburg, Univ. Regensburg).

NM_000329.3(RPE65):c.1338+1G>A

Gene: RPE65 (retinoid isomerohydrolase RPE65; minus strand). Cytogenetic location: 1p31.3.
Variant type: single nucleotide variant.
Coding change: c.1338+1G>A on transcript NM_000329.3 (MANE Select); the canonical splice donor site of the intron after coding-DNA position 1338, G replaced by A.
Molecular consequence: splice donor variant.
Genome position (GRCh38, 1-based): chr1:68,431,281, C>T on the plus strand (G>A on the coding strand, the complement: RPE65 is on the minus strand). VCF-style: chr1-68431281-C-T. GRCh37 (hg19) VCF-style: chr1-68896964-C-T.
Other names: c.1062+1G>A (NM_001406857.1, NM_001406856.1); c.1230+1G>A (NM_001406853.1).
Identifiers: ClinVar variation 374139 (VCV000374139.17), dbSNP rs1057518922, ClinGen allele CA16043370.